The following is an entry in ClinVar:

ClinVar aggregate classification (germline): Uncertain significance (1 of 4 stars; one submission).

Conditions:
Kufor-Rakeb syndrome (KRS). Also called: PARKINSON DISEASE 9, AUTOSOMAL RECESSIVE, JUVENILE-ONSET. Identifiers: Orphanet 306674, Orphanet 314632, MedGen C1847640, MONDO:0011706, OMIM 606693.
Autosomal recessive spastic paraplegia type 78. Identifiers: Orphanet 513436, MedGen C5567893, MONDO:0014975, OMIM 617225.

Allele frequency attached by ClinVar (database versions not stated): gnomAD exomes below 0.00001; TOPMed below 0.00001; gnomAD 0.00001.
gnomAD v4.1: 4 of 1,613,284 alleles (0.00025%); highest among the groups gnomAD compares: Non-Finnish European, 0.00034%; no homozygotes.

Submission:

Labcorp Genetics (formerly Invitae), Labcorp
Classification: Uncertain significance for Kufor-Rakeb syndrome; Autosomal recessive spastic paraplegia type 78. Last evaluated: 2022-07-29. Review status: criteria provided, single submitter. Criteria: Invitae Variant Classification Sherloc (09022015). Collection method: clinical testing. Allele origin: germline.
Comment: In summary, the available evidence is currently insufficient to determine the role of this variant in disease. Therefore, it has been classified as a Variant of Uncertain Significance. Advanced modeling of protein sequence and biophysical properties (such as structural, functional, and spatial information, amino acid conservation, physicochemical variation, residue mobility, and thermodynamic stability) performed at Invitae indicates that this missense variant is not expected to disrupt ATP13A2 protein function. This variant has not been reported in the literature in individuals affected with ATP13A2-related conditions. This variant is not present in population databases (gnomAD no frequency). This sequence change replaces valine, which is neutral and non-polar, with methionine, which is neutral and non-polar, at codon 307 of the ATP13A2 protein (p.Val307Met).

NM_022089.4(ATP13A2):c.919G>A (p.Val307Met)

Gene: ATP13A2 (ATPase cation transporting 13A2; minus strand). Cytogenetic location: 1p36.13.
Variant type: single nucleotide variant.
Coding change: c.919G>A on transcript NM_022089.4 (MANE Select); coding-DNA position 919, G replaced by A.
Protein change: p.Val307Met; replaces valine 307 with methionine.
Molecular consequence: missense variant.
Genome position (GRCh38, 1-based): chr1:17,000,131, C>T on the plus strand (G>A on the coding strand, the complement: ATP13A2 is on the minus strand). VCF-style: chr1-17000131-C-T. GRCh37 (hg19) VCF-style: chr1-17326626-C-T.
Other names: c.904G>A, p.Val302Met (NM_001141973.3, NM_001141974.3); short protein forms V302M, V307M.
Identifiers: ClinVar variation 2418908 (VCV002418908.5), dbSNP rs1371219809, ClinGen allele CA338257331.